The following is an entry in ClinVar:

ClinVar aggregate classification (germline): Pathogenic. Review status: criteria provided, multiple submitters, no conflicts (2 of 4 stars). 2 submissions from 2 submitters: Pathogenic (2). Last evaluated 2025-03-16.

Conditions:
Hereditary cancer-predisposing syndrome. Also called: Neoplastic Syndromes, Hereditary; Tumor predisposition; Hereditary Cancer Syndrome; Hereditary neoplastic syndrome. Identifiers: Orphanet 140162, MedGen C0027672, MeSH D009386, MONDO:0015356.
BAP1-related tumor predisposition syndrome (TPDS1). Also called: BAP1 tumor predisposition syndrome; COMMON Syndrome; TUMOR PREDISPOSITION SYNDROME 1; Tumor susceptibility linked to germline BAP1 mutations. Identifiers: Orphanet 289539, MedGen C3280492, MONDO:0013692, OMIM 614327.

Submissions (2):

Labcorp Genetics (formerly Invitae), Labcorp
Classification: Pathogenic for BAP1-related tumor predisposition syndrome. Last evaluated: 2025-03-16. Review status: criteria provided, single submitter. Criteria: Invitae Variant Classification Sherloc (09022015). Collection method: clinical testing. Allele origin: germline.
Comment: This sequence change creates a premature translational stop signal (p.Trp196*) in the BAP1 gene. It is expected to result in an absent or disrupted protein product. Loss-of-function variants in BAP1 are known to be pathogenic (PMID: 21874000, 23684012). This variant is not present in population databases (gnomAD no frequency). This premature translational stop signal has been observed in individual(s) with melanoma (PMID: 23684012). ClinVar contains an entry for this variant (Variation ID: 472707). For these reasons, this variant has been classified as Pathogenic.

Ambry Genetics
Classification: Pathogenic for Hereditary cancer-predisposing syndrome. Last evaluated: 2022-12-05. Review status: criteria provided, single submitter. Criteria: Ambry Variant Classification Scheme 2023. Collection method: clinical testing. Allele origin: germline.
Comment: The p.W196* pathogenic mutation (also known as c.587G>A), located in coding exon 8 of the BAP1 gene, results from a G to A substitution at nucleotide position 587. This changes the amino acid from a tryptophan to a stop codon within coding exon 8. This alteration has been observed in at least one individual with a personal and/or family history that is consistent with BAP1-related disease (Ambry internal data). This variant is considered to be rare based on population cohorts in the Genome Aggregation Database (gnomAD). This alteration is expected to result in loss of function by premature protein truncation or nonsense-mediated mRNA decay. As such, this alteration is interpreted as a disease-causing mutation.

Literature cited by the submitters: PubMed 21874000 (cited by Labcorp Genetics (formerly Invitae), Labcorp); PubMed 23684012 (cited by Labcorp Genetics (formerly Invitae), Labcorp).

NM_004656.4(BAP1):c.587G>A (p.Trp196Ter)

Gene: BAP1 (BRCA1 associated deubiquitinase 1; minus strand). Cytogenetic location: 3p21.1.
Variant type: single nucleotide variant.
Coding change: c.587G>A on transcript NM_004656.4 (MANE Select); coding-DNA position 587, G replaced by A.
Protein change: p.Trp196Ter; replaces tryptophan 196 with a stop codon.
Molecular consequence: nonsense.
Genome position (GRCh38, 1-based): chr3:52,406,901, C>T on the plus strand (G>A on the coding strand, the complement: BAP1 is on the minus strand). VCF-style: chr3-52406901-C-T. GRCh37 (hg19) VCF-style: chr3-52440917-C-T.
Other names: c.587G>A (NM_004656.2); short protein forms W196*.
Identifiers: ClinVar variation 472707 (VCV000472707.9), dbSNP rs1553645725, ClinGen allele CA353109211.